The following is an entry in ClinVar:

ClinVar aggregate classification (germline): Uncertain significance (1 of 4 stars; one submission).

Allele frequency attached by ClinVar (database versions not stated): TOPMed below 0.00001; gnomAD 0.00001.
gnomAD v4.1: 2 of 1,612,282 alleles (0.00012%); highest among the groups gnomAD compares: African/African-American, 0.0027%; no homozygotes.

Submission:

Labcorp Genetics (formerly Invitae), Labcorp
Classification: Uncertain significance. Last evaluated: 2022-10-13. Review status: criteria provided, single submitter. Criteria: Invitae Variant Classification Sherloc (09022015). Collection method: clinical testing. Allele origin: germline.
Comment: This variant has not been reported in the literature in individuals affected with IMPDH1-related conditions. This variant is present in population databases (no rsID available, gnomAD 0.01%). This sequence change replaces phenylalanine, which is neutral and non-polar, with serine, which is neutral and polar, at codon 224 of the IMPDH1 protein (p.Phe224Ser). In summary, the available evidence is currently insufficient to determine the role of this variant in disease. Therefore, it has been classified as a Variant of Uncertain Significance. Algorithms developed to predict the effect of missense changes on protein structure and function (SIFT, PolyPhen-2, Align-GVGD) all suggest that this variant is likely to be disruptive.

NM_000883.4(IMPDH1):c.671T>C (p.Phe224Ser)

Gene: IMPDH1 (inosine monophosphate dehydrogenase 1; minus strand). Cytogenetic location: 7q32.1.
Variant type: single nucleotide variant.
Coding change: c.671T>C on transcript NM_000883.4 (MANE Select); coding-DNA position 671, T replaced by C.
Protein change: p.Phe224Ser; replaces phenylalanine 224 with serine.
Molecular consequence: missense variant.
Genome position (GRCh38, 1-based): chr7:128,400,448, A>G on the plus strand (T>C on the coding strand, the complement: IMPDH1 is on the minus strand). VCF-style: chr7-128400448-A-G. GRCh37 (hg19) VCF-style: chr7-128040502-A-G.
Other names: c.641T>C, p.Phe214Ser (NM_001102605.2); c.416T>C, p.Phe139Ser (NM_001142573.2); c.401T>C, p.Phe134Ser (NM_001142574.2); c.341T>C, p.Phe114Ser (NM_001142575.2); c.572T>C, p.Phe191Ser (NM_001142576.2); c.464T>C, p.Phe155Ser (NM_001304521.2); c.563T>C, p.Phe188Ser (NM_183243.3); short protein forms F114S, F139S, F191S, F214S, F224S, F155S, F134S, F188S.
Identifiers: ClinVar variation 1993389 (VCV001993389.4), dbSNP rs1300880063, ClinGen allele CA369173653.
Genomic context (GRCh38, chr7:128,400,448, plus strand): 5'-GTGACGATGCCCACCAGCTTGCTGCCCATGGTGCCCGTCTCAGTGATGGGGATGCCAGAG[A>G]AGCCATGCCGCATCTTGGCCTCCAGCACATCGCCCACAGTGTGCGAGGGGCTCAGCACCA-3'
Protein context (NP_000874.2, residues 214-234): DVLEAKMRHG[Phe224Ser]SGIPITETGT